The following is an entry in ClinVar:

ClinVar aggregate classification (germline): Pathogenic/Likely pathogenic. Review status: criteria provided, multiple submitters, no conflicts (2 of 4 stars). 2 submissions from 2 submitters: Pathogenic (1); Likely pathogenic (1). Last evaluated 2023-10-06.

Conditions:
BEST1-related disorder. Also called: BEST1-related disorders; BEST1-related condition. Identifiers: MedGen CN239200.

Submissions (2):

Blueprint Genetics
Classification: Likely pathogenic for BEST1-related disorders. Last evaluated: 2023-10-06. Review status: criteria provided, single submitter. Criteria: ACMG Guidelines, 2015. Collection method: clinical testing. Allele origin: germline. Affected: yes. Observed: 2 variant alleles.

Labcorp Genetics (formerly Invitae), Labcorp
Classification: Pathogenic. Last evaluated: 2023-02-28. Review status: criteria provided, single submitter. Criteria: Invitae Variant Classification Sherloc (09022015). Collection method: clinical testing. Allele origin: germline.
Comment: For these reasons, this variant has been classified as Pathogenic. This variant disrupts the p.Asn99 amino acid residue in BEST1. Other variant(s) that disrupt this residue have been determined to be pathogenic (PMID: 10854112, 16612637, 21109774, 30718709). This suggests that this residue is clinically significant, and that variants that disrupt this residue are likely to be disease-causing. Advanced modeling of protein sequence and biophysical properties (such as structural, functional, and spatial information, amino acid conservation, physicochemical variation, residue mobility, and thermodynamic stability) performed at Invitae indicates that this missense variant is expected to disrupt BEST1 protein function. This missense change has been observed in individuals with clinical features of autosomal dominant Best vitelliform macular dystrophy (PMID: 32531858; Invitae). This variant is not present in population databases (gnomAD no frequency). This sequence change replaces asparagine, which is neutral and polar, with aspartic acid, which is acidic and polar, at codon 99 of the BEST1 protein (p.Asn99Asp).

Literature cited by the submitters: PubMed 10854112 (cited by Labcorp Genetics (formerly Invitae), Labcorp); PubMed 16612637 (cited by Labcorp Genetics (formerly Invitae), Labcorp); PubMed 21109774 (cited by Labcorp Genetics (formerly Invitae), Labcorp); PubMed 30718709 (cited by Labcorp Genetics (formerly Invitae), Labcorp); PubMed 32531858 (cited by Labcorp Genetics (formerly Invitae), Labcorp).

NM_004183.4(BEST1):c.295A>G (p.Asn99Asp)

Gene: BEST1 (bestrophin 1; plus strand). Cytogenetic location: 11q12.3.
Variant type: single nucleotide variant.
Coding change: c.295A>G on transcript NM_004183.4 (MANE Select); coding-DNA position 295, A replaced by G.
Protein change: p.Asn99Asp; replaces asparagine 99 with aspartic acid.
Molecular consequence: missense variant. On other transcripts: non-coding transcript variant (1).
Genome position (GRCh38, 1-based): chr11:61,955,765, A>G. VCF-style: chr11-61955765-A-G. GRCh37 (hg19) VCF-style: chr11-61723237-A-G.
Other names: c.115A>G, p.Asn39Asp (NM_001139443.3, NM_001300786.2, NM_001300787.2); c.-24A>G (NM_001363591.3); c.295A>G, p.Asn99Asp (NM_001363592.2); c.-881A>G (NM_001363593.3); short protein forms N99D, N39D.
Identifiers: ClinVar variation 2735625 (VCV002735625.4), dbSNP rs1591283811, ClinGen allele CA380834136.